The following is an entry in ClinVar:

NM_000702.4(ATP1A2):c.433T>C (p.Ser145Pro)

Gene: ATP1A2 (ATPase Na+/K+ transporting subunit alpha 2; plus strand). Cytogenetic location: 1q23.2.
Variant type: single nucleotide variant.
Coding change: c.433T>C on transcript NM_000702.4 (MANE Select); coding-DNA position 433, T replaced by C.
Protein change: p.Ser145Pro; replaces serine 145 with proline.
Molecular consequence: missense variant.
Genome position (GRCh38, 1-based): chr1:160,123,994, T>C. VCF-style: chr1-160123994-T-C. GRCh37 (hg19) VCF-style: chr1-160093784-T-C.
Other names: short protein forms S145P.
Identifiers: ClinVar variation 1341925 (VCV001341925.4), dbSNP rs2101985906, ClinGen allele CA343232547.
Genomic context (GRCh38, chr1:160,123,994, plus strand): 5'-CCTTACCAGCTATATCTGGGTGTGGTGCTGGCAGCTGTGGTCATTGTCACTGGCTGCTTC[T>C]CCTACTACCAGGAGGCCAAGAGCTCCAAGATCATGGATTCCTTCAAGAACATGGTACCTC-3'
Protein context (NP_000693.1, residues 135-155): AAVVIVTGCF[Ser145Pro]YYQEAKSSKI

ClinVar aggregate classification (germline): Uncertain significance. Review status: criteria provided, multiple submitters, no conflicts (2 of 4 stars). 2 submissions from 2 submitters: Uncertain significance (2). Last evaluated 2020-07-02.

Conditions:
Inborn genetic diseases. Identifiers: MedGen C0950123, MeSH D030342.
Migraine, familial hemiplegic, 2. Identifiers: Orphanet 569, MedGen C1865322, MONDO:0011232, OMIM 602481.
Alternating hemiplegia of childhood 1 (AHC1). Identifiers: Orphanet 2131, MedGen C3549447, MONDO:0007087, OMIM 104290.

Submissions (2):

New York Genome Center
Classification: Uncertain significance for Alternating hemiplegia of childhood 1; Migraine, familial hemiplegic, 2. Last evaluated: 2020-07-02. Review status: criteria provided, single submitter. Criteria: NYGC Assertion Criteria 2020. Collection method: clinical testing. Allele origin: inherited. Observed: 1 heterozygote. Study: CSER-NYCKidSeq.
Comment: The inherited heterozygous p.Ser145Pro variant identified ATP1A2 has not been reported in affected individuals in the literature to the best of our knowledge. The variant is absent from the gnomAD database indicating it is an extremely rare allele in the general population. The affected residue is evolutionarily conserved. The variant is predicted deleterious by multiple in silico tools prediction tools. Based on the current evidence, the p.Ser145Pro variant in the ATP1A2 gene is assessed as a variant of uncertain significance.

Ambry Genetics
Classification: Uncertain significance for Inborn genetic diseases. Last evaluated: 2019-01-07. Review status: criteria provided, single submitter. Criteria: Ambry Variant Classification Scheme 2023. Collection method: clinical testing. Allele origin: germline.
Comment: The p.S145P variant (also known as c.433T>C), located in coding exon 5 of the ATP1A2 gene, results from a T to C substitution at nucleotide position 433. The serine at codon 145 is replaced by proline, an amino acid with similar properties. This amino acid position is highly conserved in available vertebrate species. In addition, this alteration is predicted to be deleterious by in silico analysis. Since supporting evidence is limited at this time, the clinical significance of this alteration remains unclear.